The following is an entry in ClinVar:

NM_025233.7(COASY):c.1047+6C>T

Gene: COASY (Coenzyme A synthase; plus strand). Cytogenetic location: 17q21.2.
Variant type: single nucleotide variant.
Coding change: c.1047+6C>T on transcript NM_025233.7 (MANE Select); 6 bases into the intron after coding-DNA position 1047, C replaced by T.
Molecular consequence: intron variant.
Genome position (GRCh38, 1-based): chr17:42,564,583, C>T. VCF-style: chr17-42564583-C-T. GRCh37 (hg19) VCF-style: chr17-40716601-C-T.
Other names: c.1134+6C>T (NM_001042532.4); c.1047+6C>T (NM_001042529.3).
Identifiers: ClinVar variation 387460 (VCV000387460.1), dbSNP rs34135057, ClinGen allele CA8578172.
Genomic context (GRCh38, chr17:42,564,583, plus strand): 5'-CAGCTCCTCCAGCTTCCGCCAGCGAATGTTGGGGAACCTGCTTCGGCCTCCATATGTAAG[C>T]TCCTCTCCCTCCTTCCCTCCTGCTTGGTGTCCTGGCAATGCTGGAGAGTAGAAGCTGAGG-3'

ClinVar aggregate classification (germline): Likely benign (1 of 4 stars; one submission).

Allele frequency attached by ClinVar (database versions not stated): gnomAD exomes 0.00001 and 0.00002; ExAC 0.00002; gnomAD 0.00011 and 0.00015; TOPMed 0.00011; ESP Exome Variant Server 0.00015.
gnomAD v4.1: 31 of 1,605,690 alleles (0.0019%); highest among the groups gnomAD compares: African/African-American, 0.032%; no homozygotes.

Submission:

GeneDx
Classification: Likely benign. Last evaluated: 2016-07-26. Review status: criteria provided, single submitter. Criteria: GeneDx Variant Classification (06012015). Collection method: clinical testing. Allele origin: germline. Affected: yes.
Comment: This variant is considered likely benign or benign based on one or more of the following criteria: it is a conservative change, it occurs at a poorly conserved position in the protein, it is predicted to be benign by multiple in silico algorithms, and/or has population frequency not consistent with disease.